The following is an entry in ClinVar:

ClinVar aggregate classification (germline): Uncertain significance (1 of 4 stars; one submission).

Submission:

Labcorp Genetics (formerly Invitae), Labcorp
Classification: Uncertain significance. Last evaluated: 2024-08-12. Review status: criteria provided, single submitter. Criteria: Invitae Variant Classification Sherloc (09022015). Collection method: clinical testing. Allele origin: germline.
Comment: This sequence change replaces glycine, which is neutral and non-polar, with valine, which is neutral and non-polar, at codon 15 of the FZD4 protein (p.Gly15Val). This variant is not present in population databases (gnomAD no frequency). This variant has not been reported in the literature in individuals affected with FZD4-related conditions. Advanced modeling of protein sequence and biophysical properties (such as structural, functional, and spatial information, amino acid conservation, physicochemical variation, residue mobility, and thermodynamic stability) performed at Invitae indicates that this missense variant is not expected to disrupt FZD4 protein function with a negative predictive value of 80%. In summary, the available evidence is currently insufficient to determine the role of this variant in disease. Therefore, it has been classified as a Variant of Uncertain Significance.

NM_012193.4(FZD4):c.44G>T (p.Gly15Val)

Gene: FZD4 (frizzled class receptor 4; minus strand). Cytogenetic location: 11q14.2.
Variant type: single nucleotide variant.
Coding change: c.44G>T on transcript NM_012193.4 (MANE Select); coding-DNA position 44, G replaced by T.
Protein change: p.Gly15Val; replaces glycine 15 with valine.
Molecular consequence: missense variant.
Genome position (GRCh38, 1-based): chr11:86,955,042, C>A on the plus strand (G>T on the coding strand, the complement: FZD4 is on the minus strand). VCF-style: chr11-86955042-C-A. GRCh37 (hg19) VCF-style: chr11-86666084-C-A.
Other names: short protein forms G15V.
Identifiers: ClinVar variation 3690190 (VCV003690190.2).